The following is an entry in ClinVar:

ClinVar aggregate classification (germline): Likely benign (1 of 4 stars; one submission).

gnomAD v4.1: 3 of 1,588,782 alleles (0.00019%); highest among the groups gnomAD compares: Non-Finnish European, 0.00026%; no homozygotes.

Submission:

CeGaT Center for Human Genetics Tuebingen
Classification: Likely benign. Last evaluated: 2023-03-01. Review status: criteria provided, single submitter. Criteria: CeGaT Center For Human Genetics Tuebingen Variant Classification Criteria Version 2. Collection method: clinical testing. Allele origin: germline. Affected: yes. Observed: 1 variant allele.
Comment: SSR3: PM2:Supporting, BP4, BP7

NM_007107.5(SSR3):c.387T>A (p.Ala129=)

Gene: SSR3 (signal sequence receptor subunit 3; minus strand). Cytogenetic location: 3q25.31.
Variant type: single nucleotide variant.
Coding change: c.387T>A on transcript NM_007107.5 (MANE Select); coding-DNA position 387, T replaced by A.
Protein change: p.Ala129=; no amino-acid change (alanine 129 retained).
Molecular consequence: synonymous variant.
Genome position (GRCh38, 1-based): chr3:156,544,412, A>T on the plus strand (T>A on the coding strand, the complement: SSR3 is on the minus strand). VCF-style: chr3-156544412-A-T. GRCh37 (hg19) VCF-style: chr3-156262201-A-T.
Other names: c.426T>A, p.Ala142= (NM_001308197.2); c.231T>A, p.Ala77= (NM_001308204.2, NM_001308205.2).
Identifiers: ClinVar variation 2654253 (VCV002654253.24), dbSNP rs1719685512, ClinGen allele CA436448008.